The following is an entry in ClinVar:

NM_001048174.2(MUTYH):c.1486A>T (p.Met496Leu)

Gene: MUTYH (mutY DNA glycosylase; minus strand). Cytogenetic location: 1p34.1.
Variant type: single nucleotide variant.
Coding change: c.1486A>T on transcript NM_001048174.2 (MANE Select); coding-DNA position 1486, A replaced by T.
Protein change: p.Met496Leu; replaces methionine 496 with leucine.
Molecular consequence: missense variant. On other transcripts: non-coding transcript variant (2).
Genome position (GRCh38, 1-based): chr1:45,329,386, T>A on the plus strand (A>T on the coding strand, the complement: MUTYH is on the minus strand). VCF-style: chr1-45329386-T-A. GRCh37 (hg19) VCF-style: chr1-45795058-T-A.
Other names: p.M510L:ATG>TTG; c.1486A>T, p.Met496Leu (NM_001048171.2, NM_001048173.2, NM_001293195.2); c.1489A>T, p.Met497Leu (NM_001048172.2); c.1570A>T, p.Met524Leu (NM_001128425.2); c.1531A>T, p.Met511Leu (NM_001293190.2); c.1519A>T, p.Met507Leu (NM_001293191.2); c.1210A>T, p.Met404Leu (NM_001293192.2, NM_001293196.2); c.1141A>T, p.Met381Leu (NM_001350650.2, NM_001350651.2); and 1 more; short protein forms M524L, M510L, M381L, M404L, M496L, M521L, M497L, M507L.
Identifiers: ClinVar variation 127833 (VCV000127833.25), dbSNP rs587780080, ClinGen allele CA011670.

ClinVar aggregate classification (germline): Conflicting classifications of pathogenicity. Review status: criteria provided, conflicting classifications (1 of 4 stars). 7 submissions from 7 submitters: Uncertain significance (5); Likely benign (1). 1 of the submissions does not count toward it. Last evaluated 2026-10-01.

Conditions:
Hereditary cancer-predisposing syndrome. Also called: Neoplastic Syndromes, Hereditary; Hereditary Cancer Syndrome; Tumor predisposition; Hereditary neoplastic syndrome. Identifiers: Orphanet 140162, MedGen C0027672, MeSH D009386, MONDO:0015356.
Familial adenomatous polyposis 2. Also called: MYH-associated polyposis; FAP type 2; MUTYH-associated polyposis; MUTYH Polyposis; Adenomas, multiple colorectal; COLORECTAL ADENOMATOUS POLYPOSIS, AUTOSOMAL RECESSIVE. Identifiers: Orphanet 220460, Orphanet 247798, MedGen C3272841, MONDO:0012041, OMIM 608456.

Allele frequency attached by ClinVar (database versions not stated): TOPMed 0.00002.
gnomAD v4.1: 24 of 1,614,060 alleles (0.0015%); highest among the groups gnomAD compares: African/African-American, 0.0027%; no homozygotes.

Submissions (7):

St. Jude Molecular Pathology, St. Jude Children's Research Hospital
Classification: Uncertain significance for Familial adenomatous polyposis 2. Last evaluated: 2026-10-01. Review status: criteria provided, single submitter. Criteria: St. Jude Assertion Criteria 2020. Collection method: clinical testing. Allele origin: germline.
Comment: The MUTYH c.1570A>T p.(Met524Leu) missense change is absent in gnomAD v2.1.1. The in silico tool REVEL predicts a benign effect on protein function, but to our knowledge this prediction has not been confirmed by functional studies. To our knowledge, this variant has not been reported in individuals with MUTYH-associated polyposis. In summary, the evidence currently available is in sufficient to determine the clinical significance of this variant. It has therefore been classified as of uncertain significance (VUS-Low).

Labcorp Genetics (formerly Invitae), Labcorp
Classification: Uncertain significance for Familial adenomatous polyposis 2. Last evaluated: 2025-11-03. Review status: criteria provided, single submitter. Criteria: Invitae Variant Classification Sherloc (09022015). Collection method: clinical testing. Allele origin: germline.
Comment: This sequence change replaces methionine, which is neutral and non-polar, with leucine, which is neutral and non-polar, at codon 524 of the MUTYH protein (p.Met524Leu). This variant is not present in population databases (gnomAD no frequency). This variant has not been reported in the literature in individuals affected with MUTYH-related conditions. ClinVar contains an entry for this variant (Variation ID: 127833). An algorithm developed to predict the effect of missense changes on protein structure and function outputs the following: PolyPhen-2: "Benign". The leucine amino acid residue is found in multiple mammalian species, which suggests that this missense change does not adversely affect protein function. In summary, the available evidence is currently insufficient to determine the role of this variant in disease. Therefore, it has been classified as a Variant of Uncertain Significance.

Ambry Genetics
Classification: Likely benign for Hereditary cancer-predisposing syndrome. Last evaluated: 2024-09-06. Review status: criteria provided, single submitter. Criteria: Ambry Variant Classification Scheme 2023. Collection method: clinical testing. Allele origin: germline.

GeneDx
Classification: Uncertain significance. Last evaluated: 2024-07-05. Review status: criteria provided, single submitter. Criteria: GeneDx Variant Classification Process June 2021. Collection method: clinical testing. Allele origin: germline. Affected: yes.
Comment: Not observed at significant frequency in large population cohorts (gnomAD); In silico analysis indicates that this missense variant does not alter protein structure/function; Has not been previously published as pathogenic or benign to our knowledge; This variant is associated with the following publications: (PMID: 11092888, 23108399)

Color Diagnostics, LLC DBA Color Health
Classification: Uncertain significance for Hereditary cancer-predisposing syndrome. Last evaluated: 2024-03-06. Review status: criteria provided, single submitter. Criteria: ACMG Guidelines, 2015. Collection method: clinical testing. Allele origin: germline.
Comment: This missense variant replaces methionine with leucine at codon 524 of the MUTYH protein. Computational prediction suggests that this variant may not impact protein structure and function (internally defined REVEL score threshold <= 0.5, PMID: 27666373). To our knowledge, functional studies have not been reported for this variant. This variant has not been reported in individuals affected with MUTYH-related disorders in the literature. This variant has not been identified in the general population by the Genome Aggregation Database (gnomAD). The available evidence is insufficient to determine the role of this variant in disease conclusively. Therefore, this variant is classified as a Variant of Uncertain Significance.

All of Us Research Program, National Institutes of Health
Classification: Uncertain significance for Familial adenomatous polyposis 2. Last evaluated: 2023-10-02. Review status: criteria provided, single submitter. Criteria: ACMG Guidelines, 2015. Collection method: clinical testing. Allele origin: germline. Inheritance: Autosomal recessive inheritance. Observed: 2 variant alleles, 2 heterozygotes.
Comment: This missense variant replaces methionine with leucine at codon 524 of the MUTYH protein. Computational prediction suggests that this variant may not impact protein structure and function (internally defined REVEL score threshold <= 0.5, PMID: 27666373). To our knowledge, functional studies have not been reported for this variant. This variant has not been reported in individuals affected with MUTYH-related disorders in the literature. This variant has not been identified in the general population by the Genome Aggregation Database (gnomAD). The available evidence is insufficient to determine the role of this variant in disease conclusively. Therefore, this variant is classified as a Variant of Uncertain Significance.

This study involves interpretation of variants in research participants for the purpose of population health screening. Participant phenotype was not available at the time of variant classification. Additional details can be found in publication PMID: 35346344, PMCID: PMC8962531

Counsyl
Classification: Uncertain significance for Familial adenomatous polyposis 2. Last evaluated: 2017-03-07. Review status: no assertion criteria provided. Collection method: clinical testing. Allele origin: unknown. Not counted in ClinVar's aggregate classification.